The following is an entry in ClinVar:

NM_024496.4(IRF2BPL):c.696C>T (p.His232=)

Gene: IRF2BPL (interferon regulatory factor 2 binding protein like; minus strand). Cytogenetic location: 14q24.3.
Variant type: single nucleotide variant.
Coding change: c.696C>T on transcript NM_024496.4 (MANE Select); coding-DNA position 696, C replaced by T.
Protein change: p.His232=; no amino-acid change (histidine 232 retained).
Molecular consequence: synonymous variant.
Genome position (GRCh38, 1-based): chr14:77,027,097, G>A on the plus strand (C>T on the coding strand, the complement: IRF2BPL is on the minus strand). VCF-style: chr14-77027097-G-A. GRCh37 (hg19) VCF-style: chr14-77493440-G-A.
Identifiers: ClinVar variation 3054398 (VCV003054398.2), dbSNP rs1305087411, ClinGen allele CA487507792.

ClinVar aggregate classification (germline): Likely benign (0 of 4 stars; one submission).

Conditions:
IRF2BPL-related disorder. Also called: IRF2BPL-related condition. Identifiers: MedGen CN381093.

Allele frequency attached by ClinVar (database versions not stated): gnomAD exomes below 0.00001.

Submission:

PreventionGenetics, part of Exact Sciences
Classification: Likely benign for IRF2BPL-related condition. Last evaluated: 2022-04-15. Review status: no assertion criteria provided. Collection method: clinical testing. Allele origin: germline.
Comment: This variant is classified as likely benign based on ACMG/AMP sequence variant interpretation guidelines (Richards et al. 2015 PMID: 25741868, with internal and published modifications).